The following is an entry in ClinVar:

ClinVar aggregate classification (germline): Uncertain significance (1 of 4 stars; one submission).

Allele frequency attached by ClinVar (database versions not stated): TOPMed below 0.00001; ExAC 0.00001; gnomAD exomes 0.00001.
gnomAD v4.1: 3 of 1,614,162 alleles (0.00019%); highest among the groups gnomAD compares: Admixed American, 0.0033%; no homozygotes.

Submission:

Labcorp Genetics (formerly Invitae), Labcorp
Classification: Uncertain significance. Last evaluated: 2022-03-05. Review status: criteria provided, single submitter. Criteria: Invitae Variant Classification Sherloc (09022015). Collection method: clinical testing. Allele origin: germline.
Comment: In summary, the available evidence is currently insufficient to determine the role of this variant in disease. Therefore, it has been classified as a Variant of Uncertain Significance. Advanced modeling of protein sequence and biophysical properties (such as structural, functional, and spatial information, amino acid conservation, physicochemical variation, residue mobility, and thermodynamic stability) performed at Invitae indicates that this missense variant is expected to disrupt EIF2B5 protein function. This variant has not been reported in the literature in individuals affected with EIF2B5-related conditions. This variant is present in population databases (rs747305325, gnomAD 0.006%). This sequence change replaces histidine, which is basic and polar, with tyrosine, which is neutral and polar, at codon 105 of the EIF2B5 protein (p.His105Tyr).

NM_003907.3(EIF2B5):c.313C>T (p.His105Tyr)

Gene: EIF2B5 (eukaryotic translation initiation factor 2B subunit epsilon; plus strand). Cytogenetic location: 3q27.1.
Variant type: single nucleotide variant.
Coding change: c.313C>T on transcript NM_003907.3 (MANE Select); coding-DNA position 313, C replaced by T.
Protein change: p.His105Tyr; replaces histidine 105 with tyrosine.
Molecular consequence: missense variant.
Genome position (GRCh38, 1-based): chr3:184,136,729, C>T. VCF-style: chr3-184136729-C-T. GRCh37 (hg19) VCF-style: chr3-183854517-C-T.
Other names: short protein forms H105Y.
Identifiers: ClinVar variation 1493879 (VCV001493879.4), dbSNP rs747305325, ClinGen allele CA2726355.